The following is an entry in ClinVar:

ClinVar aggregate classification (germline): Uncertain significance (1 of 4 stars; one submission).

Conditions:
Sandhoff disease. Also called: GM2-GANGLIOSIDOSIS, TYPE II; HEXOSAMINIDASES A AND B DEFICIENCY; Beta-hexosaminidase-beta-subunit deficiency; GM2 gangliosidosis, type 2; Total hexosaminidase deficiency; Sandhoff-Jatzkewitz-Pilz disease. Identifiers: Orphanet 796, MedGen C0036161, MONDO:0010006, OMIM 268800.

Allele frequency attached by ClinVar (database versions not stated): gnomAD exomes below 0.00001; TOPMed below 0.00001; ExAC 0.00001; ESP Exome Variant Server 0.00008.
gnomAD v4.1: 2 of 1,592,782 alleles (0.00013%); highest among the groups gnomAD compares: Admixed American, 0.0036%; no homozygotes.

Submission:

Labcorp Genetics (formerly Invitae), Labcorp
Classification: Uncertain significance for Sandhoff disease. Last evaluated: 2022-06-23. Review status: criteria provided, single submitter. Criteria: Invitae Variant Classification Sherloc (09022015). Collection method: clinical testing. Allele origin: germline.
Comment: This sequence change replaces serine, which is neutral and polar, with cysteine, which is neutral and slightly polar, at codon 90 of the HEXB protein (p.Ser90Cys). This variant is present in population databases (rs369865661, gnomAD 0.01%). This variant has not been reported in the literature in individuals affected with HEXB-related conditions. Advanced modeling of protein sequence and biophysical properties (such as structural, functional, and spatial information, amino acid conservation, physicochemical variation, residue mobility, and thermodynamic stability) performed at Invitae indicates that this missense variant is not expected to disrupt HEXB protein function. In summary, the available evidence is currently insufficient to determine the role of this variant in disease. Therefore, it has been classified as a Variant of Uncertain Significance.

NM_000521.4(HEXB):c.269C>G (p.Ser90Cys)

Gene: HEXB (hexosaminidase subunit beta; plus strand). Cytogenetic location: 5q13.3.
Variant type: single nucleotide variant.
Coding change: c.269C>G on transcript NM_000521.4 (MANE Select); coding-DNA position 269, C replaced by G.
Protein change: p.Ser90Cys; replaces serine 90 with cysteine.
Molecular consequence: missense variant. On other transcripts: intron variant (1).
Genome position (GRCh38, 1-based): chr5:74,685,529, C>G. VCF-style: chr5-74685529-C-G. GRCh37 (hg19) VCF-style: chr5-73981354-C-G.
Other names: c.-376-3799C>G (NM_001292004.2); short protein forms S90C.
Identifiers: ClinVar variation 2157800 (VCV002157800.1), dbSNP rs369865661, ClinGen allele CA3305778.
Genomic context (GRCh38, chr5:74,685,529, plus strand): 5'-TGCATCTCGCCCCGGAGAACTTCTACATCAGCCACAGCCCCAATTCCACGGCGGGCCCCT[C>G]CTGCACCCTGCTGGAGGAAGCGTTTCGACGGTGAGCGCTCCCGGCCCGGCCGGGAGTTGT-3'
Protein context (NP_000512.2, residues 80-100): SHSPNSTAGP[Ser90Cys]CTLLEEAFRR